The following is an entry in ClinVar:

NM_014714.4(IFT140):c.2464G>A (p.Val822Met)

Gene: IFT140 (intraflagellar transport 140; minus strand). Cytogenetic location: 16p13.3.
Variant type: single nucleotide variant.
Coding change: c.2464G>A on transcript NM_014714.4 (MANE Select); coding-DNA position 2464, G replaced by A.
Protein change: p.Val822Met; replaces valine 822 with methionine.
Molecular consequence: missense variant.
Genome position (GRCh38, 1-based): chr16:1,526,732, C>T on the plus strand (G>A on the coding strand, the complement: IFT140 is on the minus strand). VCF-style: chr16-1526732-C-T. GRCh37 (hg19) VCF-style: chr16-1576733-C-T.
Other names: short protein forms V822M.
Identifiers: ClinVar variation 1020451 (VCV001020451.9), dbSNP rs1157116921, ClinGen allele CA394228355.

ClinVar aggregate classification (germline): Uncertain significance (1 of 4 stars; one submission).

Conditions:
Saldino-Mainzer syndrome (SRTD9). Also called: CONORENAL SYNDROME; Renal dysplasia, retinal pigmentary dystrophy, cerebellar ataxia and skeletal dysplasia; short-rib thoracic dysplasia 9 with or without polydactyly; SHORT-RIB THORACIC DYSPLASIA 9 WITHOUT POLYDACTYLY. Identifiers: Orphanet 140969, MedGen C1849437, MONDO:0009964, OMIM 266920.

Allele frequency attached by ClinVar (database versions not stated): gnomAD exomes below 0.00001; TOPMed 0.00001; gnomAD 0.00002.
gnomAD v4.1: 4 of 1,609,570 alleles (0.00025%); highest among the groups gnomAD compares: African/African-American, 0.004%; no homozygotes.

Submission:

Labcorp Genetics (formerly Invitae), Labcorp
Classification: Uncertain significance for Saldino-Mainzer syndrome. Last evaluated: 2020-01-31. Review status: criteria provided, single submitter. Criteria: Invitae Variant Classification Sherloc (09022015). Collection method: clinical testing. Allele origin: germline.
Comment: This variant has not been reported in the literature in individuals with IFT140-related conditions. In summary, the available evidence is currently insufficient to determine the role of this variant in disease. Therefore, it has been classified as a Variant of Uncertain Significance. Algorithms developed to predict the effect of missense changes on protein structure and function are either unavailable or do not agree on the potential impact of this missense change (SIFT: "Deleterious"; PolyPhen-2: "Possibly Damaging"; Align-GVGD: "Class C0"). This variant is not present in population databases (ExAC no frequency). This sequence change replaces valine with methionine at codon 822 of the IFT140 protein (p.Val822Met). The valine residue is moderately conserved and there is a small physicochemical difference between valine and methionine.